The following is an entry in ClinVar:

ClinVar aggregate classification (germline): Likely benign. Review status: criteria provided, multiple submitters, no conflicts (2 of 4 stars). 2 submissions from 2 submitters: Likely benign (2). Last evaluated 2025-04-25.

Conditions:
Niemann-Pick disease, type C1. Also called: NEUROVISCERAL STORAGE DISEASE WITH VERTICAL SUPRANUCLEAR OPHTHALMOPLEGIA; NIEMANN-PICK DISEASE WITH CHOLESTEROL ESTERIFICATION BLOCK; NIEMANN-PICK DISEASE WITHOUT SPHINGOMYELINASE DEFICIENCY; NIEMANN-PICK DISEASE, CHRONIC NEURONOPATHIC FORM; NIEMANN-PICK DISEASE, VARIANT TYPE C1. Identifiers: Orphanet 646, MedGen C3179455, MONDO:0009757, OMIM 257220.
NPC1-related disorder. Also called: NPC1-related condition.

Allele frequency attached by ClinVar (database versions not stated): gnomAD exomes below 0.00001; TOPMed 0.00002.

Submissions (2):

PreventionGenetics, part of Exact Sciences
Classification: Likely benign for NPC1-related condition. Last evaluated: 2025-04-25. Review status: criteria provided, single submitter. Criteria: ACMG Guidelines, 2015. Collection method: clinical testing. Allele origin: germline.
Comment: This variant is classified as likely benign based on ACMG/AMP sequence variant interpretation guidelines (Richards et al. 2015 PMID: 25741868, with internal and published modifications).

Labcorp Genetics (formerly Invitae), Labcorp
Classification: Likely benign for Niemann-Pick disease, type C1. Last evaluated: 2024-04-18. Review status: criteria provided, single submitter. Criteria: Invitae Variant Classification Sherloc (09022015). Collection method: clinical testing. Allele origin: germline.

NM_000271.5(NPC1):c.3477+10C>T

Gene: NPC1 (NPC intracellular cholesterol transporter 1; minus strand). Cytogenetic location: 18q11.2.
Variant type: single nucleotide variant.
Coding change: c.3477+10C>T on transcript NM_000271.5 (MANE Select); 10 bases into the intron after coding-DNA position 3477, C replaced by T.
Molecular consequence: intron variant.
Genome position (GRCh38, 1-based): chr18:23,535,459, G>A on the plus strand (C>T on the coding strand, the complement: NPC1 is on the minus strand). VCF-style: chr18-23535459-G-A. GRCh37 (hg19) VCF-style: chr18-21115423-G-A.
Other names: c.3477+10C>T (NM_000271.4).
Identifiers: ClinVar variation 1617077 (VCV001617077.9), dbSNP rs2058614679, ClinGen allele CA2290163837.